The following is an entry in ClinVar:

NM_001040142.2(SCN2A):c.3849+241T>G

Gene: SCN2A (sodium voltage-gated channel alpha subunit 2; plus strand). Cytogenetic location: 2q24.3.
Variant type: single nucleotide variant.
Coding change: c.3849+241T>G on transcript NM_001040142.2 (MANE Select); 241 bases into the intron after coding-DNA position 3849, T replaced by G.
Molecular consequence: intron variant.
Genome position (GRCh38, 1-based): chr2:165,370,540, T>G. VCF-style: chr2-165370540-T-G. GRCh37 (hg19) VCF-style: chr2-166227050-T-G.
Other names: c.3849+241T>G (NM_001040143.2, NM_001371246.1, NM_001371247.1 and 1 more transcripts).
Identifiers: ClinVar variation 669331 (VCV000669331.2), dbSNP rs2304013, ClinGen allele CA11201673.

ClinVar aggregate classification (germline): Benign. Review status: criteria provided, multiple submitters, no conflicts (2 of 4 stars). 2 submissions from 2 submitters: Benign (2). Last evaluated 2018-06-14.

Allele frequency attached by ClinVar (database versions not stated): TOPMed 0.21028; gnomAD 0.21153 and 0.21367; 1000 Genomes Project 30x 0.21299; 1000 Genomes Project 0.21526; gnomAD exomes 0.25040.
gnomAD v4.1: 97,524 of 412,136 alleles (24%); highest among the groups gnomAD compares: East Asian, 32%; 12,806 homozygotes.

Submissions (2):

GeneDx
Classification: Benign. Last evaluated: 2018-06-14. Review status: criteria provided, single submitter. Criteria: GeneDx Variant Classification (06012015). Collection method: clinical testing. Allele origin: germline. Affected: yes.
Comment: This variant is considered likely benign or benign based on one or more of the following criteria: it is a conservative change, it occurs at a poorly conserved position in the protein, it is predicted to be benign by multiple in silico algorithms, and/or has population frequency not consistent with disease.

Breakthrough Genomics
Classification: Benign. Review status: criteria provided, single submitter. Criteria: ACMG Guidelines, 2015. Collection method: not provided. Allele origin: germline. Inheritance: Autosomal dominant inheritance. Affected: yes.